The following is an entry in ClinVar:

NM_004370.6(COL12A1):c.163T>C (p.Tyr55His)

Gene: COL12A1 (collagen type XII alpha 1 chain; minus strand). Cytogenetic location: 6q13.
Variant type: single nucleotide variant.
Coding change: c.163T>C on transcript NM_004370.6 (MANE Select); coding-DNA position 163, T replaced by C.
Protein change: p.Tyr55His; replaces tyrosine 55 with histidine.
Molecular consequence: missense variant. On other transcripts: intron variant (2).
Genome position (GRCh38, 1-based): chr6:75,194,858, A>G on the plus strand (T>C on the coding strand, the complement: COL12A1 is on the minus strand). VCF-style: chr6-75194858-A-G. GRCh37 (hg19) VCF-style: chr6-75904574-A-G.
Other names: c.163T>C, p.Tyr55His (NM_001424113.1, NM_001424114.1, NM_001424115.1); c.73+7862T>C (NM_001424116.1, NM_080645.3); short protein forms Y55H.
Identifiers: ClinVar variation 2945407 (VCV002945407.3), dbSNP rs1554189322, ClinGen allele CA364731893.

ClinVar aggregate classification (germline): Uncertain significance (1 of 4 stars; one submission).

Conditions:
Ullrich congenital muscular dystrophy 2 (UCMD2). Identifiers: Orphanet 75840, MedGen C4225314, MONDO:0014654, OMIM 616470.
Bethlem myopathy 2 (BTHLM2). Identifiers: Orphanet 536516, Orphanet 610, MedGen C4225313, MONDO:0034022, OMIM 616471.

Submission:

Labcorp Genetics (formerly Invitae), Labcorp
Classification: Uncertain significance for Bethlem myopathy 2; Ullrich congenital muscular dystrophy 2. Last evaluated: 2023-03-17. Review status: criteria provided, single submitter. Criteria: Invitae Variant Classification Sherloc (09022015). Collection method: clinical testing. Allele origin: germline.
Comment: In summary, the available evidence is currently insufficient to determine the role of this variant in disease. Therefore, it has been classified as a Variant of Uncertain Significance. Advanced modeling of protein sequence and biophysical properties (such as structural, functional, and spatial information, amino acid conservation, physicochemical variation, residue mobility, and thermodynamic stability) has been performed at Invitae for this missense variant, however the output from this modeling did not meet the statistical confidence thresholds required to predict the impact of this variant on COL12A1 protein function. This variant has not been reported in the literature in individuals affected with COL12A1-related conditions. This variant is not present in population databases (gnomAD no frequency). This sequence change replaces tyrosine, which is neutral and polar, with histidine, which is basic and polar, at codon 55 of the COL12A1 protein (p.Tyr55His).